The following is an entry in ClinVar:

ClinVar aggregate classification (germline): Uncertain significance. Review status: criteria provided, single submitter (1 of 4 stars). 2 submissions from 2 submitters: Uncertain significance (1). 1 of the submissions does not count toward it. Last evaluated 2018-04-16.

Conditions:
Developmental and epileptic encephalopathy, 49 (DEE49). Also called: Epileptic encephalopathy, early infantile, 49. Identifiers: MedGen C4310635, MONDO:0015002, OMIM 617281.

Submissions (2):

SIB Swiss Institute of Bioinformatics
Classification: Uncertain significance for Developmental and epileptic encephalopathy, 49. Last evaluated: 2018-04-16. Review status: criteria provided, single submitter. Criteria: ACMG Guidelines, 2015. Collection method: curation. Allele origin: germline.
Comment: This variant is interpreted as a Uncertain Significance, for Epileptic encephalopathy, early infantile, 49, Autosomal Recessive inheritance. The following ACMG Tag(s) were applied: PM2 => Absent from controls (or at extremely low frequency if recessive) in Exome Sequencing Project, 1000 Genomes Project, or Exome Aggregation Consortium. PP1 => Cosegregation with disease in multiple affected family members in a gene definitively known to cause the disease. PM1-Supporting => PM1 downgraded in strength to Supporting.

OMIM
Classification: Pathogenic for DEVELOPMENTAL AND EPILEPTIC ENCEPHALOPATHY 49. Last evaluated: 2020-11-19. Review status: no assertion criteria provided. Collection method: literature only. Allele origin: germline. Not counted in ClinVar's aggregate classification.

Literature cited by the submitters: PubMed 27431290 (cited by SIB Swiss Institute of Bioinformatics and OMIM).

NM_015213.4(DENND5A):c.1622A>G (p.Asp541Gly)

Gene: DENND5A (DENN domain containing 5A; minus strand). Cytogenetic location: 11p15.4.
Variant type: single nucleotide variant.
Coding change: c.1622A>G on transcript NM_015213.4 (MANE Select); coding-DNA position 1622, A replaced by G.
Protein change: p.Asp541Gly; replaces aspartic acid 541 with glycine.
Molecular consequence: missense variant. On other transcripts: non-coding transcript variant (1).
Genome position (GRCh38, 1-based): chr11:9,178,907, T>C on the plus strand (A>G on the coding strand, the complement: DENND5A is on the minus strand). VCF-style: chr11-9178907-T-C. GRCh37 (hg19) VCF-style: chr11-9200454-T-C.
Other names: NM_001243254.1:c.1622A>G(p.Asp541Gly); NM_015213.3:c.1622A>G(p.Asp541Gly); c.1622A>G, p.Asp541Gly (NM_001243254.2); c.1550A>G, p.Asp517Gly (NM_001348749.2); c.1334A>G, p.Asp445Gly (NM_001348750.2); short protein forms D541G, D445G, D517G.
Identifiers: ClinVar variation 374927 (VCV000374927.3), dbSNP rs1057519309, ClinGen allele CA16043979.